The following is an entry in ClinVar:

NM_002181.4(IHH):c.970G>A (p.Val324Met)

Gene: IHH (Indian hedgehog signaling molecule; minus strand). Cytogenetic location: 2q35.
Variant type: single nucleotide variant.
Coding change: c.970G>A on transcript NM_002181.4 (MANE Select); coding-DNA position 970, G replaced by A.
Protein change: p.Val324Met; replaces valine 324 with methionine.
Molecular consequence: missense variant.
Genome position (GRCh38, 1-based): chr2:219,055,473, C>T on the plus strand (G>A on the coding strand, the complement: IHH is on the minus strand). VCF-style: chr2-219055473-C-T. GRCh37 (hg19) VCF-style: chr2-219920195-C-T.
Other names: c.970G>A (NM_002181.3); short protein forms V324M.
Identifiers: ClinVar variation 2071648 (VCV002071648.6), dbSNP rs370788126, ClinGen allele CA2116557.
Genomic context (GRCh38, chr2:219,055,473, plus strand): 5'-CCACATCCTCCACCACCAGTGTCCCATGCTTTGTGAGCGGGGCGTAGGCCCCGAGGGCCA[C>T]GTGTGTAGAGACAGCTGCCACGCGGGCAGGCTGCAGGCCTGGCACCCCAGCCACCAGCAC-3'
Protein context (NP_002172.2, residues 314-334): PARVAAVSTH[Val324Met]ALGAYAPLTK

ClinVar aggregate classification (germline): Uncertain significance. Review status: criteria provided, multiple submitters, no conflicts (2 of 4 stars). 3 submissions from 3 submitters: Uncertain significance (3). Last evaluated 2025-12-07.

Conditions:
Inborn genetic diseases. Identifiers: MedGen C0950123, MeSH D030342.
IHH-related disorder. Also called: IHH-related condition.

Allele frequency attached by ClinVar (database versions not stated): ExAC 0.00004; ESP Exome Variant Server 0.00008; gnomAD exomes 0.00008; TOPMed 0.00008; gnomAD 0.00009; 1000 Genomes Project 30x 0.00016; 1000 Genomes Project 0.00020.

Submissions (3):

PreventionGenetics, part of Exact Sciences
Classification: Uncertain significance for IHH-related condition. Last evaluated: 2025-12-07. Review status: criteria provided, single submitter. Criteria: ACMG Guidelines, 2015. Collection method: clinical testing. Allele origin: germline.
Comment: The IHH c.970G>A variant is predicted to result in the amino acid substitution p.Val324Met. To our knowledge, this variant has not been reported in the literature. This variant is reported in 0.024% of alleles in individuals of African descent in gnomAD. At this time, the clinical significance of this variant is uncertain due to the absence of conclusive functional and genetic evidence.

Labcorp Genetics (formerly Invitae), Labcorp
Classification: Uncertain significance. Last evaluated: 2025-03-18. Review status: criteria provided, single submitter. Criteria: Invitae Variant Classification Sherloc (09022015). Collection method: clinical testing. Allele origin: germline.
Comment: This sequence change replaces valine, which is neutral and non-polar, with methionine, which is neutral and non-polar, at codon 324 of the IHH protein (p.Val324Met). This variant is present in population databases (rs370788126, gnomAD 0.03%). This variant has not been reported in the literature in individuals affected with IHH-related conditions. ClinVar contains an entry for this variant (Variation ID: 2071648). Invitae Evidence Modeling of protein sequence and biophysical properties (such as structural, functional, and spatial information, amino acid conservation, physicochemical variation, residue mobility, and thermodynamic stability) indicates that this missense variant is not expected to disrupt IHH protein function with a negative predictive value of 80%. In summary, the available evidence is currently insufficient to determine the role of this variant in disease. Therefore, it has been classified as a Variant of Uncertain Significance.

Ambry Genetics
Classification: Uncertain significance for Inborn genetic diseases. Last evaluated: 2025-02-07. Review status: criteria provided, single submitter. Criteria: Ambry Variant Classification Scheme 2023. Collection method: clinical testing. Allele origin: germline.